The following is an entry in ClinVar:

ClinVar aggregate classification (germline): Uncertain significance. Review status: criteria provided, multiple submitters, no conflicts (2 of 4 stars). 4 submissions from 4 submitters: Uncertain significance (4). Last evaluated 2026-08-19.

Conditions:
Familial thoracic aortic aneurysm and aortic dissection (TAAD). Also called: Thoracic aortic aneurysms and dissections. Identifiers: Orphanet 91387, MedGen C4707243, MONDO:0019625.
FLNA-related disorder.
Melnick-Needles syndrome (MNS). Also called: Melnick-Needles Syndrome (FLNA-MNS); MELNICK-NEEDLES OSTEODYSPLASTY; OSTEODYSPLASTY OF MELNICK AND NEEDLES. Identifiers: Orphanet 2484, MedGen C0025237, MONDO:0010650, OMIM 309350.
Frontometaphyseal dysplasia (FMD1). Identifiers: Orphanet 1826, MedGen C0265293, MONDO:0015942.
Oto-palato-digital syndrome, type II (OPD2). Also called: Otopalatodigital Syndrome Type 2 (FLNA-OPD2); FACIOPALATOOSSEOUS SYNDROME; OPD II SYNDROME; Otopalatodigital Syndrome, Type II. Identifiers: Orphanet 669, Orphanet 90652, MedGen C1844696, MONDO:0010571, OMIM 304120.
Heterotopia, periventricular, X-linked dominant (PVNH1). Also called: PERIVENTRICULAR NODULAR HETEROTOPIA 4; HETEROTOPIA, PERIVENTRICULAR, 1; PERIVENTRICULAR NODULAR HETEROTOPIA 1; X-linked periventricular heterotopia. Identifiers: Orphanet 2149, Orphanet 82004, MedGen C1848213, MONDO:0010233, OMIM 300049.

Allele frequency attached by ClinVar (database versions not stated): gnomAD exomes below 0.00001; gnomAD 0.00002; 1000 Genomes Project 30x 0.00021; 1000 Genomes Project 0.00026; TOPMed below 0.00001.
gnomAD v4.1: 6 of 1,210,120 alleles (0.0005%); highest among the groups gnomAD compares: Admixed American, 0.0022%; no homozygotes.

Submissions (4):

Ambry Genetics
Classification: Uncertain significance for Familial thoracic aortic aneurysm and aortic dissection. Last evaluated: 2026-08-19. Review status: criteria provided, single submitter. Criteria: Ambry Variant Classification Scheme 2023. Collection method: clinical testing. Allele origin: germline.
Comment: The p.R2043W variant (also known as c.6127C>T), located in coding exon 36 of the FLNA gene, results from a C to T substitution at nucleotide position 6127. The arginine at codon 2043 is replaced by tryptophan, an amino acid with dissimilar properties. This amino acid position is conserved. In addition, the in silico prediction for this alteration is inconclusive. Based on the available evidence, the clinical significance of this variant remains unclear.

PreventionGenetics, part of Exact Sciences
Classification: Uncertain significance for FLNA-related condition. Last evaluated: 2025-07-21. Review status: criteria provided, single submitter. Criteria: ACMG Guidelines, 2015. Collection method: clinical testing. Allele origin: germline.
Comment: The FLNA c.6151C>T variant is predicted to result in the amino acid substitution p.Arg2051Trp. To our knowledge, this variant has not been reported in the literature or in a large population database (gnomAD), indicating this variant is rare. At this time, the clinical significance of this variant is uncertain due to the absence of conclusive functional and genetic evidence.

Labcorp Genetics (formerly Invitae), Labcorp
Classification: Uncertain significance for Oto-palato-digital syndrome, type II; Heterotopia, periventricular, X-linked dominant; Frontometaphyseal dysplasia; Melnick-Needles syndrome. Last evaluated: 2025-02-27. Review status: criteria provided, single submitter. Criteria: Invitae Variant Classification Sherloc (09022015). Collection method: clinical testing. Allele origin: germline.
Comment: This sequence change replaces arginine, which is basic and polar, with tryptophan, which is neutral and slightly polar, at codon 2043 of the FLNA protein (p.Arg2043Trp). This variant is not present in population databases (gnomAD no frequency). This variant has not been reported in the literature in individuals affected with FLNA-related conditions. ClinVar contains an entry for this variant (Variation ID: 2084986). Invitae Evidence Modeling of protein sequence and biophysical properties (such as structural, functional, and spatial information, amino acid conservation, physicochemical variation, residue mobility, and thermodynamic stability) indicates that this missense variant is not expected to disrupt FLNA protein function with a negative predictive value of 95%. In summary, the available evidence is currently insufficient to determine the role of this variant in disease. Therefore, it has been classified as a Variant of Uncertain Significance.

GeneDx
Classification: Uncertain significance. Last evaluated: 2023-03-20. Review status: criteria provided, single submitter. Criteria: GeneDx Variant Classification Process June 2021. Collection method: clinical testing. Allele origin: germline. Affected: yes.
Comment: Has not been previously published as pathogenic or benign to our knowledge; In silico analysis supports that this missense variant has a deleterious effect on protein structure/function

NM_001110556.2(FLNA):c.6151C>T (p.Arg2051Trp)

Gene: FLNA (filamin A; minus strand). Cytogenetic location: Xq28.
Variant type: single nucleotide variant.
Coding change: c.6151C>T on transcript NM_001110556.2 (MANE Select); coding-DNA position 6151, C replaced by T.
Protein change: p.Arg2051Trp; replaces arginine 2051 with tryptophan.
Molecular consequence: missense variant.
Genome position (GRCh38, 1-based): chrX:154,353,076, G>A on the plus strand (C>T on the coding strand, the complement: FLNA is on the minus strand). VCF-style: chrX-154353076-G-A. GRCh37 (hg19) VCF-style: chrX-153581444-G-A.
Other names: c.6127C>T, p.Arg2043Trp (NM_001456.4); c.6151C>T (NM_001110556.1); c.6127C>T (NM_001456.3); short protein forms R2043W, R2051W.
Identifiers: ClinVar variation 2084986 (VCV002084986.7), dbSNP rs782560098, ClinGen allele CA337275145.
Genomic context (GRCh38, chrX:154,353,076, plus strand): 5'-CAATGATAAACTCTGCAGGCTCAAAGGTGTGGCCTTCGTGAAGGCCCTGACCAGAGACCC[G>A]AACACGACTGGCATCCCCAATTTCCGACTGGCTGATCACCACCGGGATGGGGCTGCTGGC-3'
Protein context (NP_001104026.1, residues 2041-2061): QSEIGDASRV[Arg2051Trp]VSGQGLHEGH